The following is an entry in ClinVar:

ClinVar aggregate classification (germline): Pathogenic (1 of 4 stars; one submission).

Conditions:
Hereditary cancer-predisposing syndrome. Also called: Neoplastic Syndromes, Hereditary; Tumor predisposition; Hereditary Cancer Syndrome; Hereditary neoplastic syndrome. Identifiers: Orphanet 140162, MedGen C0027672, MeSH D009386, MONDO:0015356.

Submission:

Ambry Genetics
Classification: Pathogenic for Hereditary cancer-predisposing syndrome. Last evaluated: 2022-09-11. Review status: criteria provided, single submitter. Criteria: Ambry Variant Classification Scheme 2023. Collection method: clinical testing. Allele origin: germline.
Comment: The c.71dupT pathogenic mutation, located in coding exon 2 of the BRCA2 gene, results from a duplication of T at nucleotide position 71, causing a translational frameshift with a predicted alternate stop codon (p.L24Ffs*7). This variant is considered to be rare based on population cohorts in the Genome Aggregation Database (gnomAD). This alteration is expected to result in loss of function by premature protein truncation or nonsense-mediated mRNA decay. As such, this alteration is interpreted as a disease-causing mutation.

NM_000059.4(BRCA2):c.71dup (p.Leu24fs)

Gene: BRCA2 (BRCA2 DNA repair associated; plus strand). Cytogenetic location: 13q13.1.
Variant type: Duplication.
Coding change: c.71dup on transcript NM_000059.4 (MANE Select); coding-DNA position 71, one base duplicated (T; older notation c.71dupT).
Protein change: p.Leu24fs; shifts the reading frame from leucine 24.
Molecular consequence: frameshift variant.
Genome position (GRCh38, 1-based): chr13:32,319,080, T duplicated; the last of 3 consecutive T bases (chr13:32,319,078-32,319,080); duplicating any one gives the same sequence. VCF-style (leftmost placement, unchanged base first): chr13-32319077-A-AT. GRCh37 (hg19) VCF-style: chr13-32893214-A-AT.
Other names: c.71dup, p.Leu24Phefs (NM_001406719.1, NM_001406720.1, NM_001406721.1); c.-299dup (NM_001406722.1); c.71dupT (NM_000059.3); short protein forms L24fs.
Identifiers: ClinVar variation 1757654 (VCV001757654.2), dbSNP rs397507903, ClinGen allele CA2580086980.
Genomic context (GRCh38, chr13:32,319,077, plus strand): 5'-CTGGGTCACAAATTTGTCTGTCACTGGTTAAAACTAAGGTGGGATTTTTTTTTTAAATAG[A>AT]TTTAGGACCAATAAGTCTTAATTGGTTTGAAGAACTTTCTTCAGAAGCTCCACCCTATAA-3'